The following is an entry in ClinVar:

NM_001080.3(ALDH5A1):c.325T>C (p.Phe109Leu)

Genes: ALDH5A1 (aldehyde dehydrogenase 5 family member A1; plus strand), LOC129995978 (ATAC-STARR-seq lymphoblastoid silent region 16989; plus strand). Cytogenetic location: 6p22.3.
Variant type: single nucleotide variant.
Coding change: c.325T>C on transcript NM_001080.3 (MANE Select); coding-DNA position 325, T replaced by C.
Protein change: p.Phe109Leu; replaces phenylalanine 109 with leucine.
Molecular consequence: missense variant.
Genome position (GRCh38, 1-based): chr6:24,495,321, T>C. VCF-style: chr6-24495321-T-C. GRCh37 (hg19) VCF-style: chr6-24495549-T-C.
Other names: c.325T>C, p.Phe109Leu (NM_001368954.1, NM_170740.1); short protein forms F109L.
Identifiers: ClinVar variation 650075 (VCV000650075.7), dbSNP rs1309356527, ClinGen allele CA362968685.

ClinVar aggregate classification (germline): Uncertain significance. Review status: criteria provided, multiple submitters, no conflicts (2 of 4 stars). 2 submissions from 2 submitters: Uncertain significance (2). Last evaluated 2024-09-05.

Conditions:
Succinate-semialdehyde dehydrogenase deficiency (SSADHD). Also called: SSADH DEFICIENCY; 4-HYDROXYBUTYRIC ACIDURIA; GABA METABOLIC DEFECT; Succinic Semialdehyde Dehydrogenase Deficiency. Identifiers: Orphanet 22, MedGen C0268631, MONDO:0010083, OMIM 271980.

Allele frequency attached by ClinVar (database versions not stated): gnomAD exomes 0.00001; gnomAD 0.00002; TOPMed 0.00002.
gnomAD v4.1: 17 of 1,532,878 alleles (0.0011%); highest among the groups gnomAD compares: Non-Finnish European, 0.0015%; no homozygotes.

Submissions (2):

GeneDx
Classification: Uncertain significance. Last evaluated: 2024-09-05. Review status: criteria provided, single submitter. Criteria: GeneDx Variant Classification Process June 2021. Collection method: clinical testing. Allele origin: germline. Affected: yes.
Comment: Not observed at significant frequency in large population cohorts (gnomAD); In silico analysis supports that this missense variant has a deleterious effect on protein structure/function; Has not been previously published as pathogenic or benign to our knowledge

Labcorp Genetics (formerly Invitae), Labcorp
Classification: Uncertain significance for Succinate-semialdehyde dehydrogenase deficiency. Last evaluated: 2022-01-27. Review status: criteria provided, single submitter. Criteria: Invitae Variant Classification Sherloc (09022015). Collection method: clinical testing. Allele origin: germline.
Comment: This sequence change replaces phenylalanine, which is neutral and non-polar, with leucine, which is neutral and non-polar, at codon 109 of the ALDH5A1 protein (p.Phe109Leu). This variant is not present in population databases (gnomAD no frequency). This variant has not been reported in the literature in individuals affected with ALDH5A1-related conditions. ClinVar contains an entry for this variant (Variation ID: 650075). Advanced modeling of protein sequence and biophysical properties (such as structural, functional, and spatial information, amino acid conservation, physicochemical variation, residue mobility, and thermodynamic stability) performed at Invitae indicates that this missense variant is not expected to disrupt ALDH5A1 protein function. In summary, the available evidence is currently insufficient to determine the role of this variant in disease. Therefore, it has been classified as a Variant of Uncertain Significance.